The following is an entry in ClinVar:

NM_005228.5(EGFR):c.2313C>G (p.Asn771Lys)

Genes: EGFR-AS1 (EGFR antisense RNA 1; minus strand), EGFR (epidermal growth factor receptor; plus strand). Cytogenetic location: 7p11.2.
Variant type: single nucleotide variant.
Coding change: c.2313C>G on transcript NM_005228.5 (MANE Select); coding-DNA position 2313, C replaced by G.
Protein change: p.Asn771Lys; replaces asparagine 771 with lysine.
Molecular consequence: missense variant. On other transcripts: non-coding transcript variant (1).
Genome position (GRCh38, 1-based): chr7:55,181,322, C>G. VCF-style: chr7-55181322-C-G. GRCh37 (hg19) VCF-style: chr7-55249015-C-G.
Other names: c.2178C>G, p.Asn726Lys (NM_001346897.2, NM_001346899.2); c.2313C>G, p.Asn771Lys (NM_001346898.2); c.2154C>G, p.Asn718Lys (NM_001346900.2); c.1512C>G, p.Asn504Lys (NM_001346941.2); short protein forms N726K, N504K, N718K, N771K.
Identifiers: ClinVar variation 4744674 (VCV004744674.1).
Genomic context (GRCh38, chr7:55,181,322, plus strand): 5'-GCCACACTGACGTGCCTCTCCCTCCCTCCAGGAAGCCTACGTGATGGCCAGCGTGGACAA[C>G]CCCCACGTGTGCCGCCTGCTGGGCATCTGCCTCACCTCCACCGTGCAGCTCATCACGCAG-3'
Protein context (NP_005219.2, residues 761-781): DEAYVMASVD[Asn771Lys]PHVCRLLGIC

ClinVar aggregate classification (germline): Uncertain significance (1 of 4 stars; one submission).

Conditions:
EGFR-related lung cancer (EGFR). Identifiers: MedGen CN130014.

Submission:

Labcorp Genetics (formerly Invitae), Labcorp
Classification: Uncertain significance for EGFR-related lung cancer. Last evaluated: 2025-06-06. Review status: criteria provided, single submitter. Criteria: Invitae Variant Classification Sherloc (09022015). Collection method: clinical testing. Allele origin: germline.
Comment: This sequence change replaces asparagine, which is neutral and polar, with lysine, which is basic and polar, at codon 771 of the EGFR protein (p.Asn771Lys). This variant is not present in population databases (gnomAD no frequency). This variant has not been reported in the literature in individuals affected with EGFR-related conditions. Invitae Evidence Modeling of protein sequence and biophysical properties (such as structural, functional, and spatial information, amino acid conservation, physicochemical variation, residue mobility, and thermodynamic stability) indicates that this missense variant is expected to disrupt EGFR protein function with a positive predictive value of 80%. In summary, the available evidence is currently insufficient to determine the role of this variant in disease. Therefore, it has been classified as a Variant of Uncertain Significance.